The following is an entry in ClinVar:

ClinVar aggregate classification (germline): Uncertain significance (1 of 4 stars; one submission).

Conditions:
Neuronopathy, distal hereditary motor, autosomal recessive 5. Also called: Spinal muscular atrophy, distal, autosomal recessive, 5; NEUROPATHY, DISTAL HEREDITARY MOTOR, AUTOSOMAL RECESSIVE 5; Young adult-onset distal hereditary motor neuropathy. Identifiers: Orphanet 314485, Orphanet 443950, MedGen C4749918, MONDO:0013947, OMIM 614881.

Allele frequency attached by ClinVar (database versions not stated): gnomAD exomes 0.00001 and below 0.00001.
gnomAD v4.1: 9 of 1,614,140 alleles (0.00056%); highest among the groups gnomAD compares: Middle Eastern, 0.016%; no homozygotes.

Submission:

Labcorp Genetics (formerly Invitae), Labcorp
Classification: Uncertain significance for Neuronopathy, distal hereditary motor, autosomal recessive 5. Last evaluated: 2021-09-01. Review status: criteria provided, single submitter. Criteria: Invitae Variant Classification Sherloc (09022015). Collection method: clinical testing. Allele origin: germline.
Comment: This sequence change replaces phenylalanine with leucine at codon 113 of the DNAJB2 protein (p.Phe113Leu). The phenylalanine residue is highly conserved and there is a small physicochemical difference between phenylalanine and leucine. This variant is not present in population databases (ExAC no frequency). This variant has not been reported in the literature in individuals affected with DNAJB2-related conditions. Algorithms developed to predict the effect of missense changes on protein structure and function are either unavailable or do not agree on the potential impact of this missense change (SIFT: "Deleterious"; PolyPhen-2: "Probably Damaging"; Align-GVGD: "Class C15"). In summary, the available evidence is currently insufficient to determine the role of this variant in disease. Therefore, it has been classified as a Variant of Uncertain Significance.

NM_006736.6(DNAJB2):c.337T>C (p.Phe113Leu)

Gene: DNAJB2 (DnaJ heat shock protein family (Hsp40) member B2; plus strand). Cytogenetic location: 2q35.
Variant type: single nucleotide variant.
Coding change: c.337T>C on transcript NM_006736.6 (MANE Select); coding-DNA position 337, T replaced by C.
Protein change: p.Phe113Leu; replaces phenylalanine 113 with leucine.
Molecular consequence: missense variant.
Genome position (GRCh38, 1-based): chr2:219,282,046, T>C. VCF-style: chr2-219282046-T-C. GRCh37 (hg19) VCF-style: chr2-220146768-T-C.
Other names: c.337T>C, p.Phe113Leu (NM_001039550.2); short protein forms F113L.
Identifiers: ClinVar variation 1358309 (VCV001358309.5), dbSNP rs1349202271, ClinGen allele CA350648327.